The following is an entry in ClinVar:

ClinVar aggregate classification (germline): Pathogenic (1 of 4 stars; one submission).

Conditions:
Neuronal ceroid lipofuscinosis 11. Also called: GRN-Related Neuronal Ceroid-Lipofuscinosis. Identifiers: Orphanet 314629, Orphanet 79262, MedGen C3539123, MONDO:0013866, OMIM 614706.
GRN-related frontotemporal lobar degeneration with Tdp43 inclusions (FTD2). Also called: DEMENTIA, HEREDITARY DYSPHASIC DISINHIBITION; FRONTOTEMPORAL LOBAR DEGENERATION WITH UBIQUITIN-POSITIVE INCLUSIONS; FTLD-TDP, GRN-RELATED; GRN Frontotemporal Dementia; FRONTOTEMPORAL DEMENTIA WITH TDP43 INCLUSIONS, GRN-RELATED. Identifiers: Orphanet 100070, Orphanet 282, MedGen C1843792, MONDO:0011842, OMIM 607485. Disease mechanism: loss of function.

Submission:

Labcorp Genetics (formerly Invitae), Labcorp
Classification: Pathogenic for Neuronal ceroid lipofuscinosis 11; GRN-related frontotemporal lobar degeneration with Tdp43 inclusions. Last evaluated: 2022-04-19. Review status: criteria provided, single submitter. Criteria: Invitae Variant Classification Sherloc (09022015). Collection method: clinical testing. Allele origin: germline.
Comment: This variant has not been reported in the literature in individuals affected with GRN-related conditions. For these reasons, this variant has been classified as Pathogenic. This variant is not present in population databases (gnomAD no frequency). This sequence change creates a premature translational stop signal (p.Thr238Profs*18) in the GRN gene. It is expected to result in an absent or disrupted protein product. Loss-of-function variants in GRN are known to be pathogenic (PMID: 16862116, 16950801, 22608501).

Literature cited by the submitters: PubMed 16862116; PubMed 16950801; PubMed 22608501.

NM_002087.4(GRN):c.711del (p.Thr238fs)

Genes: GRN (granulin precursor; plus strand), LOC125177489 (Sharpr-MPRA regulatory region 15390; plus strand). Cytogenetic location: 17q21.31.
Variant type: Deletion.
Coding change: c.711del on transcript NM_002087.4 (MANE Select); coding-DNA position 711, one base deleted (C; older notation c.711delC).
Protein change: p.Thr238fs; shifts the reading frame from threonine 238.
Molecular consequence: frameshift variant.
Genome position (GRCh38, 1-based): chr17:44,351,039, C deleted; the last of 2 consecutive C bases (chr17:44,351,038-44,351,039); deleting either gives the same sequence. VCF-style (leftmost placement, unchanged base first): chr17-44351037-GC-G. GRCh37 (hg19) VCF-style: chr17-42428405-GC-G.
Other names: short protein forms T238fs.
Identifiers: ClinVar variation 2127919 (VCV002127919.4), dbSNP rs2510056360, ClinGen allele CA2580094066.
Genomic context (GRCh38, chr17:44,351,037, plus strand): 5'-CTGCTCCCTGTGTGCTACTGAGCCTGGAAGTGACAAAGACCCACCCCTGTCCCCACTCAG[GC>G]CACCTGCTGCTCCGATCACCTGCACTGCTGCCCCCAAGACACTGTGTGTGACCTGATCCA-3'